The following is an entry in ClinVar:

ClinVar aggregate classification (germline): Uncertain significance (1 of 4 stars; one submission).

Conditions:
Hereditary cancer-predisposing syndrome. Also called: Neoplastic Syndromes, Hereditary; Tumor predisposition; Hereditary neoplastic syndrome; Hereditary Cancer Syndrome. Identifiers: Orphanet 140162, MedGen C0027672, MeSH D009386, MONDO:0015356.

Submission:

Ambry Genetics
Classification: Uncertain significance for Hereditary cancer-predisposing syndrome. Last evaluated: 2025-06-10. Review status: criteria provided, single submitter. Criteria: Ambry Variant Classification Scheme 2023. Collection method: clinical testing. Allele origin: germline.
Comment: The c.1185G>A variant (also known as p.Q395Q), located in coding exon 7 of the MEN1 gene, results from a G to A substitution at nucleotide position 1185. This nucleotide substitution does not change the amino acid at codon 395. However, this change occurs in the last base pair of coding exon 7, which makes it likely to have some effect on normal mRNA splicing. This nucleotide position is highly conserved in available vertebrate species. In silico splice site analysis predicts that this alteration will weaken the native splice donor site; however, direct evidence is insufficient at this time (Ambry internal data). Based on the available evidence, the clinical significance of this variant remains unclear.

NM_001370259.2(MEN1):c.1185G>A (p.Gln395=)

Gene: MEN1 (menin 1; minus strand). Cytogenetic location: 11q13.1.
Variant type: single nucleotide variant.
Coding change: c.1185G>A on transcript NM_001370259.2 (MANE Select); coding-DNA position 1185, G replaced by A.
Protein change: p.Gln395=; no amino-acid change (glutamine 395 retained).
Molecular consequence: synonymous variant. On other transcripts: non-coding transcript variant (4).
Genome position (GRCh38, 1-based): chr11:64,805,635, C>T on the plus strand (G>A on the coding strand, the complement: MEN1 is on the minus strand). VCF-style: chr11-64805635-C-T. GRCh37 (hg19) VCF-style: chr11-64573107-C-T.
Other names: c.1200G>A, p.Gln400= (NM_000244.4, NM_001407145.1, NM_130800.3 and 4 more transcripts); c.1311G>A, p.Gln437= (NM_001370251.2, NM_001407142.1, NM_001407143.1 and 1 more transcripts); c.1185G>A, p.Gln395= (NM_001370260.2, NM_001370261.2, NM_001407146.1 and 3 more transcripts); c.1080G>A, p.Gln360= (NM_001370262.2, NM_001370263.2, NM_001407148.1 and 1 more transcripts); c.1326G>A, p.Gln442= (NM_001407150.1); c.1206G>A, p.Gln402= (NM_001407151.1).
Identifiers: ClinVar variation 4053813 (VCV004053813.1).